The following is an entry in ClinVar:

ClinVar aggregate classification (germline): Likely benign (0 of 4 stars; one submission).

Conditions:
FOXD1-related disorder. Also called: FOXD1-related condition.

Allele frequency attached by ClinVar (database versions not stated): gnomAD 0.00001; 1000 Genomes Project 30x 0.00016; 1000 Genomes Project 0.00020; ExAC 0.00043.

Submission:

PreventionGenetics, part of Exact Sciences
Classification: Likely benign for FOXD1-related condition. Last evaluated: 2020-05-15. Review status: no assertion criteria provided. Collection method: clinical testing. Allele origin: germline.
Comment: This variant is classified as likely benign based on ACMG/AMP sequence variant interpretation guidelines (Richards et al. 2015 PMID: 25741868, with internal and published modifications).

NM_004472.3(FOXD1):c.315C>T (p.Gly105=)

Gene: FOXD1 (forkhead box D1; minus strand). Cytogenetic location: 5q13.2.
Variant type: single nucleotide variant.
Coding change: c.315C>T on transcript NM_004472.3 (MANE Select); coding-DNA position 315, C replaced by T.
Protein change: p.Gly105=; no amino-acid change (glycine 105 retained).
Molecular consequence: synonymous variant.
Genome position (GRCh38, 1-based): chr5:73,448,048, G>A on the plus strand (C>T on the coding strand, the complement: FOXD1 is on the minus strand). VCF-style: chr5-73448048-G-A. GRCh37 (hg19) VCF-style: chr5-72743873-G-A.
Identifiers: ClinVar variation 3054868 (VCV003054868.2), dbSNP rs536826624, ClinGen allele CA3303108.